The following is an entry in ClinVar:

NM_001282225.2(ADA2):c.337C>A (p.Leu113Ile)

Gene: ADA2 (adenosine deaminase 2; minus strand). Cytogenetic location: 22q11.1.
Variant type: single nucleotide variant.
Coding change: c.337C>A on transcript NM_001282225.2 (MANE Select); coding-DNA position 337, C replaced by A.
Protein change: p.Leu113Ile; replaces leucine 113 with isoleucine.
Molecular consequence: missense variant. On other transcripts: 5 prime UTR variant (1).
Genome position (GRCh38, 1-based): chr22:17,207,276, G>T on the plus strand (C>A on the coding strand, the complement: ADA2 is on the minus strand). VCF-style: chr22-17207276-G-T. GRCh37 (hg19) VCF-style: chr22-17688166-G-T.
Other names: c.337C>A, p.Leu113Ile (NM_001282226.2); c.211C>A, p.Leu71Ile (NM_001282227.2, NM_001282228.2); c.-24C>A (NM_001282229.2); short protein forms L71I, L113I.
Identifiers: ClinVar variation 2172632 (VCV002172632.3), dbSNP rs1185867813, ClinGen allele CA410229918.

ClinVar aggregate classification (germline): Uncertain significance (1 of 4 stars; one submission).

Conditions:
Deficiency of adenosine deaminase 2. Also called: Polyarteritis nodosa, childhoood-onset; Adenosine Deaminase 2 Deficiency; VASCULITIS, AUTOINFLAMMATION, IMMUNODEFICIENCY, AND HEMATOLOGIC DEFECTS SYNDROME. Identifiers: Orphanet 404553, MedGen C3887654, MONDO:0014306, OMIM 615688, MONDO:0100317.

Allele frequency attached by ClinVar (database versions not stated): gnomAD exomes below 0.00001.
gnomAD v4.1: 6 of 1,605,728 alleles (0.00037%); highest among the groups gnomAD compares: Non-Finnish European, 0.00051%; no homozygotes.

Submission:

Labcorp Genetics (formerly Invitae), Labcorp
Classification: Uncertain significance for Deficiency of adenosine deaminase 2. Last evaluated: 2024-11-05. Review status: criteria provided, single submitter. Criteria: Invitae Variant Classification Sherloc (09022015). Collection method: clinical testing. Allele origin: germline.
Comment: This sequence change replaces leucine, which is neutral and non-polar, with isoleucine, which is neutral and non-polar, at codon 113 of the ADA2 protein (p.Leu113Ile). This variant is present in population databases (no rsID available, gnomAD 0.0009%). This variant has not been reported in the literature in individuals affected with ADA2-related conditions. ClinVar contains an entry for this variant (Variation ID: 2172632). Invitae Evidence Modeling of protein sequence and biophysical properties (such as structural, functional, and spatial information, amino acid conservation, physicochemical variation, residue mobility, and thermodynamic stability) indicates that this missense variant is not expected to disrupt ADA2 protein function with a negative predictive value of 80%. In summary, the available evidence is currently insufficient to determine the role of this variant in disease. Therefore, it has been classified as a Variant of Uncertain Significance.